The following is an entry in ClinVar:

ClinVar aggregate classification (germline): Conflicting classifications of pathogenicity. Review status: criteria provided, conflicting classifications (1 of 4 stars). 3 submissions from 3 submitters: Likely pathogenic (2); Uncertain significance (1). Last evaluated 2024-11-09.

Conditions:
Hereditary cancer-predisposing syndrome. Also called: Neoplastic Syndromes, Hereditary; Tumor predisposition; Hereditary Cancer Syndrome; Hereditary neoplastic syndrome. Identifiers: Orphanet 140162, MedGen C0027672, MeSH D009386, MONDO:0015356.
Hereditary pheochromocytoma and paraganglioma. Also called: Hereditary pheochromocytoma-paraganglioma; Hereditary paragangliomas and pheochromocytomas; Hereditary Paraganglioma-Pheochromocytoma Syndromes. Identifiers: Orphanet 29072, MedGen C4274332, MONDO:0017366.

Submissions (3):

Ambry Genetics
Classification: Likely pathogenic for Hereditary cancer-predisposing syndrome. Last evaluated: 2024-11-09. Review status: criteria provided, single submitter. Criteria: Ambry Variant Classification Scheme 2023. Collection method: clinical testing. Allele origin: germline.
Comment: The p.R25W variant (also known as c.73C>T), located in coding exon 3 of the MAX gene, results from a C to T substitution at nucleotide position 73. The arginine at codon 25 is replaced by tryptophan, an amino acid with dissimilar properties. This variant has been observed in at least one individual with a personal and/or family history of paragangliomas and/or pheochromocytomas (Burnichon N et al. Clin Cancer Res, 2012 May;18:2828-37; Lian B et al. Front Endocrinol (Lausanne), 2024 Aug;15:1442691). This amino acid position is highly conserved in available vertebrate species. In addition, this alteration is predicted to be deleterious by in silico analysis. Based on internal structural analysis, R25W is deleterious (Ambry internal data). This variant is considered to be rare based on population cohorts in the Genome Aggregation Database (gnomAD). Based on the majority of available evidence to date, this variant is likely to be pathogenic.

GeneDx
Classification: Likely pathogenic. Last evaluated: 2022-02-25. Review status: criteria provided, single submitter. Criteria: GeneDx Variant Classification Process June 2021. Collection method: clinical testing. Allele origin: germline. Affected: yes.
Comment: Not observed at significant frequency in large population cohorts (gnomAD); In silico analysis supports that this missense variant has a deleterious effect on protein structure/function; This variant is associated with the following publications: (PMID: 26070438, 1730412, 22452945)

Labcorp Genetics (formerly Invitae), Labcorp
Classification: Uncertain significance for Hereditary pheochromocytoma and paraganglioma. Last evaluated: 2022-02-21. Review status: criteria provided, single submitter. Criteria: Invitae Variant Classification Sherloc (09022015). Collection method: clinical testing. Allele origin: germline.
Comment: In summary, the available evidence is currently insufficient to determine the role of this variant in disease. Therefore, it has been classified as a Variant of Uncertain Significance. Experimental studies have shown that this missense change affects MAX function (PMID: 26070438). Algorithms developed to predict the effect of missense changes on protein structure and function (SIFT, PolyPhen-2, Align-GVGD) all suggest that this variant is likely to be disruptive. This missense change has been observed in individual(s) with paraganglioma and/or pheochromocytoma (PMID: 22452945, 28384794). This variant is not present in population databases (gnomAD no frequency). This sequence change replaces arginine, which is basic and polar, with tryptophan, which is neutral and slightly polar, at codon 25 of the MAX protein (p.Arg25Trp).

Literature cited by the submitters: PubMed 22452945 (cited by Ambry Genetics and Labcorp Genetics (formerly Invitae), Labcorp); PubMed 39279998 (cited by Ambry Genetics); PubMed 26070438 (cited by Labcorp Genetics (formerly Invitae), Labcorp); PubMed 28384794 (cited by Labcorp Genetics (formerly Invitae), Labcorp).

NM_002382.5(MAX):c.73C>T (p.Arg25Trp)

Genes: MAX (MYC associated transcriptional regulator X; minus strand), MAX-AS1 (MAX antisense RNA 1; plus strand). Cytogenetic location: 14q23.3.
Variant type: single nucleotide variant.
Coding change: c.73C>T on transcript NM_002382.5 (MANE Select); coding-DNA position 73, C replaced by T.
Protein change: p.Arg25Trp; replaces arginine 25 with tryptophan.
Molecular consequence: missense variant. On other transcripts: synonymous variant (1), non-coding transcript variant (1), 5 prime UTR variant (1).
Genome position (GRCh38, 1-based): chr14:65,093,806, G>A on the plus strand (C>T on the coding strand, the complement: MAX is on the minus strand). VCF-style: chr14-65093806-G-A. GRCh37 (hg19) VCF-style: chr14-65560524-G-A.
Other names: c.-202C>T (NM_001407107.1, NM_001320415.2, NM_001407105.1 and 1 more transcripts); c.46C>T, p.Arg16Trp (NM_001407108.1, NM_001407109.1, NM_001407110.1 and 9 more transcripts); c.-295C>T (NM_001407111.1, NM_001407112.1); c.96C>T, p.Asn32= (NM_001407114.1); c.73C>T, p.Arg25Trp (NM_001407094.1, NM_001407096.1, NM_001407097.1 and 5 more transcripts); short protein forms R16W, R25W.
Identifiers: ClinVar variation 1703285 (VCV001703285.8), dbSNP rs2139886995, ClinGen allele CA390037817.